The following is an entry in ClinVar:

NM_000532.5(PCCB):c.1358A>G (p.Tyr453Cys)

Gene: PCCB (propionyl-CoA carboxylase subunit beta; plus strand). Cytogenetic location: 3q22.3.
Variant type: single nucleotide variant.
Coding change: c.1358A>G on transcript NM_000532.5 (MANE Select); coding-DNA position 1358, A replaced by G.
Protein change: p.Tyr453Cys; replaces tyrosine 453 with cysteine.
Molecular consequence: missense variant.
Genome position (GRCh38, 1-based): chr3:136,327,692, A>G. VCF-style: chr3-136327692-A-G. GRCh37 (hg19) VCF-style: chr3-136046534-A-G.
Other names: c.1418A>G, p.Tyr473Cys (NM_001178014.2); short protein forms Y453C, Y473C.
Identifiers: ClinVar variation 2134740 (VCV002134740.4), dbSNP rs2529974250, ClinGen allele CA354649396.

ClinVar aggregate classification (germline): Uncertain significance (1 of 4 stars; one submission).

Conditions:
Propionic acidemia (PROP). Also called: HYPERGLYCINEMIA WITH KETOACIDOSIS AND LEUKOPENIA; KETOTIC HYPERGLYCINEMIA; GLYCINEMIA, KETOTIC. Identifiers: Orphanet 35, MedGen C0268579, MONDO:0011628, OMIM 606054, HP:0003571.

Submission:

Labcorp Genetics (formerly Invitae), Labcorp
Classification: Uncertain significance for Propionic acidemia. Last evaluated: 2022-05-06. Review status: criteria provided, single submitter. Criteria: Invitae Variant Classification Sherloc (09022015). Collection method: clinical testing. Allele origin: germline.
Comment: In summary, the available evidence is currently insufficient to determine the role of this variant in disease. Therefore, it has been classified as a Variant of Uncertain Significance. Advanced modeling of protein sequence and biophysical properties (such as structural, functional, and spatial information, amino acid conservation, physicochemical variation, residue mobility, and thermodynamic stability) performed at Invitae indicates that this missense variant is expected to disrupt PCCB protein function. This missense change has been observed in individual(s) with clinical features of propionic acidemia (PMID: 15464417). This variant is not present in population databases (gnomAD no frequency). This sequence change replaces tyrosine, which is neutral and polar, with cysteine, which is neutral and slightly polar, at codon 453 of the PCCB protein (p.Tyr453Cys).

Literature cited by the submitters: PubMed 15464417.